The following is an entry in ClinVar:

NM_000255.4(MMUT):c.88C>T (p.Gln30Ter)

Gene: MMUT (methylmalonyl-CoA mutase; minus strand). Cytogenetic location: 6p12.3.
Variant type: single nucleotide variant.
Coding change: c.88C>T on transcript NM_000255.4 (MANE Select); coding-DNA position 88, C replaced by T.
Protein change: p.Gln30Ter; replaces glutamine 30 with a stop codon.
Molecular consequence: nonsense.
Genome position (GRCh38, 1-based): chr6:49,459,379, G>A on the plus strand (C>T on the coding strand, the complement: MMUT is on the minus strand). VCF-style: chr6-49459379-G-A. GRCh37 (hg19) VCF-style: chr6-49427092-G-A.
Other names: short protein forms Q30*.
Identifiers: ClinVar variation 222907 (VCV000222907.7), dbSNP rs879253824, ClinGen allele CA10575887.

ClinVar aggregate classification (germline): Pathogenic. Review status: criteria provided, multiple submitters, no conflicts (2 of 4 stars). 4 submissions from 4 submitters: Pathogenic (4). Last evaluated 2023-03-08.

Conditions:
Methylmalonic aciduria due to methylmalonyl-CoA mutase deficiency (MAMM). Also called: Methylmalonic aciduria, mut type. Identifiers: Orphanet 27, MedGen C1855114, MONDO:0009612, OMIM 251000.

Submissions (4):

Labcorp Genetics (formerly Invitae), Labcorp
Classification: Pathogenic. Last evaluated: 2023-03-08. Review status: criteria provided, single submitter. Criteria: Invitae Variant Classification Sherloc (09022015). Collection method: clinical testing. Allele origin: germline.
Comment: This sequence change creates a premature translational stop signal (p.Gln30*) in the MUT gene. It is expected to result in an absent or disrupted protein product. Loss-of-function variants in MUT are known to be pathogenic (PMID: 15781192). This variant is not present in population databases (gnomAD no frequency). This premature translational stop signal has been observed in individual(s) with methylmalonic acidemia (PMID: 27167370). ClinVar contains an entry for this variant (Variation ID: 222907). For these reasons, this variant has been classified as Pathogenic.

Fulgent Genetics
Classification: Pathogenic for Methylmalonic aciduria due to methylmalonyl-CoA mutase deficiency. Last evaluated: 2022-04-12. Review status: criteria provided, single submitter. Criteria: ACMG Guidelines, 2015. Collection method: clinical testing. Allele origin: unknown.

Baylor Genetics
Classification: Pathogenic for Methylmalonic aciduria due to methylmalonyl-CoA mutase deficiency. Last evaluated: 2020-05-05. Review status: criteria provided, single submitter. Criteria: ACMG Guidelines, 2015. Collection method: clinical testing. Allele origin: unknown. Affected: yes.
Comment: This variant was determined to be pathogenic according to ACMG Guidelines, 2015 [PMID:25741868].

University Children's Hospital, University of Zurich
Classification: Pathogenic for Methylmalonic aciduria due to methylmalonyl-CoA mutase deficiency. Review status: criteria provided, single submitter. Criteria: Forny et al. (Hum Mutat. 2016). Collection method: clinical testing. Allele origin: germline. Inheritance: Autosomal recessive inheritance. Affected: yes.

Literature cited by the submitters: PubMed 15781192 (cited by Labcorp Genetics (formerly Invitae), Labcorp); PubMed 27167370 (cited by Labcorp Genetics (formerly Invitae), Labcorp); PubMed 25736335 (cited by University Children's Hospital, University of Zurich).